The following is an entry in ClinVar:

ClinVar aggregate classification (germline): Conflicting classifications of pathogenicity. Review status: criteria provided, conflicting classifications (1 of 4 stars). 3 submissions from 3 submitters: Uncertain significance (1); Likely benign (2). Last evaluated 2024-12-26.

Conditions:
Connective tissue disorder. Also called: Connective tissue disease. Identifiers: MedGen C0009782, MONDO:0003900.
Cardiovascular phenotype. Identifiers: MedGen CN230736.
Osteogenesis imperfecta type I (OI1). Also called: Classic Non-deforming Osteogenesis Imperfecta with Blue Sclerae; Lobstein's Disease; Osteogenesis imperfecta type 1; OI, TYPE I; OSTEOGENESIS IMPERFECTA TARDA; OSTEOGENESIS IMPERFECTA WITH BLUE SCLERAE. Identifiers: Orphanet 216796, Orphanet 666, MedGen C0023931, MONDO:0008146, OMIM 166200. Disease mechanism: loss of function.

Allele frequency attached by ClinVar (database versions not stated): gnomAD exomes 0.00001 and 0.00002; ExAC 0.00002; gnomAD 0.00006; TOPMed 0.00008.

Submissions (3):

Labcorp Genetics (formerly Invitae), Labcorp
Classification: Likely benign for Osteogenesis imperfecta type I. Last evaluated: 2024-12-26. Review status: criteria provided, single submitter. Criteria: Invitae Variant Classification Sherloc (09022015). Collection method: clinical testing. Allele origin: germline.

Ambry Genetics
Classification: Uncertain significance for Cardiovascular phenotype. Last evaluated: 2024-11-21. Review status: criteria provided, single submitter. Criteria: Ambry Variant Classification Scheme 2023. Collection method: clinical testing. Allele origin: germline.
Comment: The p.M1000V variant (also known as c.2998A>G), located in coding exon 41 of the COL1A1 gene, results from an A to G substitution at nucleotide position 2998. The methionine at codon 1000 is replaced by valine, an amino acid with highly similar properties. This amino acid position is not well conserved in available vertebrate species. In addition, this alteration is predicted to be tolerated by in silico analysis. Based on the available evidence, the clinical significance of this variant remains unclear.

Center for Human Genetics, Inc
Classification: Likely benign for Connective tissue disorder. Last evaluated: 2018-06-01. Review status: criteria provided, single submitter. Criteria: ACMG Guidelines, 2015. Collection method: clinical testing. Allele origin: germline. Affected: yes.

NM_000088.4(COL1A1):c.2998A>G (p.Met1000Val)

Gene: COL1A1 (collagen type I alpha 1 chain; minus strand). Cytogenetic location: 17q21.33.
Variant type: single nucleotide variant.
Coding change: c.2998A>G on transcript NM_000088.4 (MANE Select); coding-DNA position 2998, A replaced by G.
Protein change: p.Met1000Val; replaces methionine 1000 with valine.
Molecular consequence: missense variant.
Genome position (GRCh38, 1-based): chr17:50,188,950, T>C on the plus strand (A>G on the coding strand, the complement: COL1A1 is on the minus strand). VCF-style: chr17-50188950-T-C. GRCh37 (hg19) VCF-style: chr17-48266311-T-C.
Other names: short protein forms M1000V.
Identifiers: ClinVar variation 561282 (VCV000561282.11), dbSNP rs777265470, ClinGen allele CA8644620.